The following is an entry in ClinVar:

ClinVar aggregate classification (germline): Pathogenic/Likely pathogenic. Review status: criteria provided, multiple submitters, no conflicts (2 of 4 stars). 4 submissions from 4 submitters: Pathogenic (2); Likely pathogenic (1). 1 of the submissions does not count toward it. Last evaluated 2025-09-26.

Conditions:
Cystic renal disease.
Polycystic kidney disease, adult type (PKD1). Also called: Polycystic Kidney Disease 1, Autosomal Dominant; Polycystic kidney disease 1; Polycystic kidney disease 1, severe; Polycystic Kidney, Autosomal Dominant; POLYCYSTIC KIDNEY DISEASE 1 WITH OR WITHOUT POLYCYSTIC LIVER DISEASE; POLYCYSTIC KIDNEY DISEASE, ADULT, TYPE I. Identifiers: MedGen C3149841, MONDO:0008263, OMIM 173900.
PKD1-related disorder. Also called: PKD1-related condition.

gnomAD v4.1: 2 of 1,611,356 alleles (0.00012%); highest among the groups gnomAD compares: Non-Finnish European, 0.000085%; no homozygotes.

Submissions (4):

Genetics Laboratory, Great Ormond Street Hospital NHS Foundation Trust, North Thames Genomic Laboratory Hub
Classification: Likely pathogenic for Cystic renal disease. Last evaluated: 2025-09-26. Review status: criteria provided, single submitter. Criteria: ACGS Best Practice Guidelines for Variant Classification in Rare Disease 2024 v1.2. Collection method: clinical testing. Allele origin: germline. Affected: yes.
Comment: PS4_moderate, PM2_moderate, PVS1_moderate, PP4_supporting

Variantyx, Inc.
Classification: Pathogenic for Polycystic kidney disease, adult type. Last evaluated: 2025-05-21. Review status: criteria provided, single submitter. Criteria: Variantyx Assertion Criteria 2022. Collection method: clinical testing. Allele origin: germline. Inheritance: Autosomal dominant inheritance. Affected: yes.
Comment: This is a nonsense variant in the PKD1 gene (OMIM: 601313). Pathogenic variants in this gene have been associated with autosomal dominant polycystic kidney disease 1. This variant introduces a premature termination codon in exon 46 out of 46 and is expected to result in loss of function, which is a known disease mechanism for PKD1 in this disorder (PMID: 25491204, 24694054, 29529603) (PVS1). This variant has been reported in at least 2 unrelated affected individuals (PMID: 27165007, 31740684) (PS4_Moderate) and it has a 0.0002% maximum allele frequency in non-founder control populations (PM2). Based on the current evidence, this variant is classified as pathogenic for autosomal dominant polycystic kidney disease 1.

Fulgent Genetics
Classification: Pathogenic for Polycystic kidney disease, adult type. Last evaluated: 2024-03-28. Review status: criteria provided, single submitter. Criteria: ACMG Guidelines, 2015. Collection method: clinical testing. Allele origin: germline.

PreventionGenetics, part of Exact Sciences
Classification: Pathogenic for PKD1-related condition. Last evaluated: 2024-02-01. Review status: no assertion criteria provided. Collection method: clinical testing. Allele origin: germline. Not counted in ClinVar's aggregate classification.
Comment: The PKD1 c.12739C>T variant is predicted to result in premature protein termination (p.Gln4247*). This variant has been reported to be pathogenic for autosomal dominant polycystic kidney disease (ADPKD) (Mallawaarachchi et al. 2016. PubMed ID: 27165007; reported as p.Gln4246X at Supplemental Table S6A of Kim et al. 2019. PubMed ID: 31740684). This variant has not been reported in a large population database, indicating this variant is rare. Nonsense variants in PKD1 are expected to be pathogenic. This variant is interpreted as pathogenic.

Literature cited by the submitters: PubMed 25491204 (cited by Variantyx, Inc.); PubMed 24694054 (cited by Variantyx, Inc.); PubMed 29529603 (cited by Variantyx, Inc.); PubMed 27165007 (cited by Variantyx, Inc.); PubMed 31740684 (cited by Variantyx, Inc.).

NM_001009944.3(PKD1):c.12739C>T (p.Gln4247Ter)

Gene: PKD1 (polycystin 1, transient receptor potential channel interacting; minus strand). Cytogenetic location: 16p13.3.
Variant type: single nucleotide variant.
Coding change: c.12739C>T on transcript NM_001009944.3 (MANE Select); coding-DNA position 12739, C replaced by T.
Protein change: p.Gln4247Ter; replaces glutamine 4247 with a stop codon.
Molecular consequence: nonsense.
Genome position (GRCh38, 1-based): chr16:2,089,900, G>A on the plus strand (C>T on the coding strand, the complement: PKD1 is on the minus strand). VCF-style: chr16-2089900-G-A. GRCh37 (hg19) VCF-style: chr16-2139901-G-A.
Other names: c.12736C>T, p.Gln4246Ter (NM_000296.4); short protein forms Q4246*, Q4247*.
Identifiers: ClinVar variation 3061238 (VCV003061238.5), dbSNP rs2091390332, ClinGen allele CA394320144.